The following is an entry in ClinVar:

NM_003126.4(SPTA1):c.5215C>T (p.Gln1739Ter)

Gene: SPTA1 (spectrin alpha, erythrocytic 1; minus strand). Cytogenetic location: 1q23.1.
Variant type: single nucleotide variant.
Coding change: c.5215C>T on transcript NM_003126.4 (MANE Select); coding-DNA position 5215, C replaced by T.
Protein change: p.Gln1739Ter; replaces glutamine 1739 with a stop codon.
Molecular consequence: nonsense.
Genome position (GRCh38, 1-based): chr1:158,636,736, G>A on the plus strand (C>T on the coding strand, the complement: SPTA1 is on the minus strand). VCF-style: chr1-158636736-G-A. GRCh37 (hg19) VCF-style: chr1-158606526-G-A.
Other names: short protein forms Q1739*.
Identifiers: ClinVar variation 4851967 (VCV004851967.1).

ClinVar aggregate classification (germline): Pathogenic (1 of 4 stars; one submission).

gnomAD v4.1: 1 of 1,614,074 alleles (0.000062%); no homozygotes.

Submission:

Dasa
Classification: Pathogenic. Last evaluated: 2025-11-11. Review status: criteria provided, single submitter. Criteria: DASA Assertion Criteria. Collection method: clinical testing. Allele origin: germline.
Comment: NM_003126.4(SPTA1):c.5215C>T (p.Gln1739*) introduces a premature termination codon predicted to result in loss of normal protein function. Loss-of-function is an established mechanism of disease for this gene. This variant has been observed in affected individuals with related phenotype in a genotype context consistent with recessive disease (PMID: 31038472). This variant has been reported in individuals with related phenotype (PMID: 31038472). The variant is present at low frequency in population datasets. Based on the available data, this variant is classified as pathogenic.

Literature cited by the submitters: PubMed 31038472.